The following is an entry in ClinVar:

NM_004606.5(TAF1):c.886G>T (p.Asp296Tyr)

Gene: TAF1 (TATA-box binding protein associated factor 1; plus strand). Cytogenetic location: Xq13.1.
Variant type: single nucleotide variant.
Coding change: c.886G>T on transcript NM_004606.5 (MANE Select); coding-DNA position 886, G replaced by T.
Protein change: p.Asp296Tyr; replaces aspartic acid 296 with tyrosine.
Molecular consequence: missense variant. On other transcripts: non-coding transcript variant (9).
Genome position (GRCh38, 1-based): chrX:71,377,774, G>T. VCF-style: chrX-71377774-G-T. GRCh37 (hg19) VCF-style: chrX-70597624-G-T.
Other names: c.886G>T, p.Asp296Tyr (NM_001286074.2); c.823G>T, p.Asp275Tyr (NM_138923.4); short protein forms D275Y, D296Y.
Identifiers: ClinVar variation 2429531 (VCV002429531.1), dbSNP rs1194327405, ClinGen allele CA413507903.

ClinVar aggregate classification (germline): Uncertain significance (1 of 4 stars; one submission).

Submission:

GeneDx
Classification: Uncertain significance. Last evaluated: 2023-02-06. Review status: criteria provided, single submitter. Criteria: GeneDx Variant Classification Process June 2021. Collection method: clinical testing. Allele origin: germline. Affected: yes.
Comment: Not observed at significant frequency in large population cohorts (gnomAD); In silico analysis supports that this missense variant has a deleterious effect on protein structure/function; Has not been previously published as pathogenic or benign to our knowledge